The following is an entry in ClinVar:

ClinVar aggregate classification (germline): Conflicting classifications of pathogenicity. Review status: criteria provided, conflicting classifications (1 of 4 stars). 14 submissions from 14 submitters: Uncertain significance (12); Benign (1); Likely benign (1). Last evaluated 2026-07-01.

Conditions:
Mismatch repair cancer syndrome 4. Identifiers: MedGen C5436817, MONDO:0030843, OMIM 619101.
Lynch syndrome 4 (LYNCH4). Also called: Colorectal cancer, hereditary nonpolyposis, type 4; Hereditary non-polyposis colorectal cancer, type 4. Identifiers: Orphanet 144, MedGen C1838333, MONDO:0013699, OMIM 614337. Disease mechanism: loss of function.
PMS2-related disorder. Also called: PMS2-related condition.
Hereditary nonpolyposis colorectal neoplasms. Identifiers: MedGen C0009405, MeSH D003123.
Breast and/or ovarian cancer. Identifiers: MedGen CN221562.
Hereditary cancer-predisposing syndrome. Also called: Tumor predisposition; Neoplastic Syndromes, Hereditary; Hereditary neoplastic syndrome; Hereditary Cancer Syndrome. Identifiers: Orphanet 140162, MedGen C0027672, MeSH D009386, MONDO:0015356.
Lynch syndrome. Identifiers: Orphanet 144, MedGen C4552100, MONDO:0005835. Disease mechanism: loss of function.

Allele frequency attached by ClinVar (database versions not stated): gnomAD exomes 0.00002 and 0.00005; TOPMed 0.00002; gnomAD 0.00007 and 0.00006; ExAC 0.00006.
gnomAD v4.1: 43 of 1,592,150 alleles (0.0027%); highest among the groups gnomAD compares: Middle Eastern, 0.12%; 1 homozygote.

Submissions (14):

PreventionGenetics, part of Exact Sciences
Classification: Uncertain significance for PMS2-related condition. Last evaluated: 2026-07-01. Review status: criteria provided, single submitter. Criteria: ACMG Guidelines, 2015. Collection method: clinical testing. Allele origin: germline.
Comment: The PMS2 c.2068A>C variant is predicted to result in the amino acid substitution p.Lys690Gln. This variant was reported in individuals with breast cancer or endometrial cancer, and in 2 related individuals in a non-cancer cohort (Supplemental Information in Tung et al. 2014. PubMed ID: 25186627; Ring et al. 2016. PubMed ID: 27443514; Abdel-Razeq et al. 2022. PubMed ID: 35402282; Table S2 in Kraemer et al. 2019. PubMed ID: 31422574). This variant is reported in 0.0074% of alleles in individuals of European (Non-Finnish) descent in gnomAD. This variant has conflicting interpretations ranging from uncertain to benign in ClinVar (Variation ID: 141651). At this time, the clinical significance of this variant is uncertain due to the absence of conclusive functional and genetic evidence.

Women's Health and Genetics/Laboratory Corporation of America, LabCorp
Classification: Likely benign. Last evaluated: 2026-05-10. Review status: criteria provided, single submitter. Criteria: LabCorp Variant Classification Summary - May 2015. Collection method: clinical testing. Allele origin: germline.
Comment: Variant summary: PMS2 c.2068A>C (p.Lys690Gln) results in a conservative amino acid change located in the C-terminal dimerisation domain (IPR014790) of the encoded protein sequence. Algorithms developed to predict the effect of missense changes on protein structure and function are either unavailable or do not agree on the potential impact of this missense change. The variant allele was found at a frequency of 4.6e-05 in 216714 control chromosomes. This frequency is not significantly higher than estimated for disease-causing variants in PMS2, allowing no conclusion about variant significance. c.2068A>C has been observed in individuals affected with breast cancer or endometrial carcinoma (Tung_2015, Ring_2016, Sahin_2022, Abdel-Razeq_2022). This variant has also been found in two individuals in a non-cancer related cohort (Kraemer_2019). These reports do not provide unequivocal conclusions about association of the variant with Hereditary Nonpolyposis Colorectal Cancer. At least one co-occurrence with another pathogenic variants has been reported (BRCA2 c.8904delC, p.V2969fs*7, our internal data), providing supporting evidence for a benign role. To our knowledge, no experimental evidence demonstrating an impact on protein function has been reported. The following publications have been ascertained in the context of this evaluation (PMID: 25186627, 27443514, 31422574, 33120919, 35402282, 35089076). ClinVar contains an entry for this variant (Variation ID: 141651). Based on the evidence outlined above, the variant was classified as likely benign.

Labcorp Genetics (formerly Invitae), Labcorp
Classification: Benign for Hereditary nonpolyposis colorectal neoplasms. Last evaluated: 2026-01-31. Review status: criteria provided, single submitter. Criteria: Invitae Variant Classification Sherloc (09022015). Collection method: clinical testing. Allele origin: germline.

GeneDx
Classification: Uncertain significance. Last evaluated: 2025-07-29. Review status: criteria provided, single submitter. Criteria: GeneDx Variant Classification Process June 2021. Collection method: clinical testing. Allele origin: germline. Affected: yes.
Comment: Observed in individuals with endometrial, colorectal, or breast cancer (PMID: 25186627, 27443514, 33120919, 35402282, 37534630); In silico analysis supports that this missense variant has a deleterious effect on protein structure/function; This variant is associated with the following publications: (PMID: 27443514, 25186627, 31422574, 35402282, 2744351, 33120919, 35089076, 37534630)

Center for Genomic Medicine, Rigshospitalet, Copenhagen University Hospital
Classification: Uncertain significance. Last evaluated: 2025-03-04. Review status: criteria provided, single submitter. Criteria: ACMG Guidelines, 2015. Collection method: clinical testing. Allele origin: germline.

Ambry Genetics
Classification: Uncertain significance for Hereditary cancer-predisposing syndrome. Last evaluated: 2025-02-05. Review status: criteria provided, single submitter. Criteria: Ambry Variant Classification Scheme 2023. Collection method: clinical testing. Allele origin: germline.
Comment: The p.K690Q variant (also known as c.2068A>C), located in coding exon 12 of the PMS2 gene, results from an A to C substitution at nucleotide position 2068. The lysine at codon 690 is replaced by glutamine, an amino acid with similar properties. This alteration has been reported in a cohort of 381 endometrial carcinoma patients who had undergone tumor testing to screen for Lynch syndrome (Ring KL et al. Mod. Pathol., 2016 Nov;29:1381-1389). This amino acid position is well conserved in available vertebrate species. In addition, this alteration is predicted to be inconclusive by in silico analysis. Based on the available evidence, the clinical significance of this variant remains unclear.

Fulgent Genetics
Classification: Uncertain significance for Lynch syndrome 4; Mismatch repair cancer syndrome 4. Last evaluated: 2024-06-21. Review status: criteria provided, single submitter. Criteria: ACMG Guidelines, 2015. Collection method: clinical testing. Allele origin: germline.

Color Diagnostics, LLC DBA Color Health
Classification: Uncertain significance for Hereditary cancer-predisposing syndrome. Last evaluated: 2024-04-19. Review status: criteria provided, single submitter. Criteria: ACMG Guidelines, 2015. Collection method: clinical testing. Allele origin: germline.
Comment: This missense variant replaces lysine with glutamine at codon 690 of the PMS2 protein. Computational prediction is inconclusive regarding the impact of this variant on protein structure and function. To our knowledge, functional studies have not been reported for this variant. This variant has not been reported in individuals affected with hereditary cancer in the literature. This variant has been identified in 11/247978 chromosomes in the general population by the Genome Aggregation Database (gnomAD). The available evidence is insufficient to determine the role of this variant in disease conclusively. Therefore, this variant is classified as a Variant of Uncertain Significance.

Baylor Genetics
Classification: Uncertain significance for Lynch syndrome 4. Last evaluated: 2023-08-08. Review status: criteria provided, single submitter. Criteria: ACMG Guidelines, 2015. Collection method: clinical testing. Allele origin: unknown.

Genetic Services Laboratory, University of Chicago
Classification: Uncertain significance. Last evaluated: 2022-01-20. Review status: criteria provided, single submitter. Criteria: ACMG Guidelines, 2015. Collection method: clinical testing. Allele origin: germline. Affected: no.
Comment: This sequence has been previously described in individuals with breast cancer (PMID: 25186627) and endometrial cancer (PMID: 27443514). This sequence change has been described in the gnomAD database with a frequency of 0.0044% (dbSNP rs587781909); however, the frequency data for this variant in the population databases is considered unreliable due to its location in a region that is highly homologous to PMS2 pseudogenes. The p.Lys690Gln change affects a moderately conserved amino acid residue located in a domain of the PMS2 protein that is not known to be functional. In-silico pathogenicity prediction tools (SIFT, Align GVGD, REVEL) provide contradictory results for the p.Lys690Gln substitution. Due to insufficient evidence and the lack of functional studies, the clinical significance of the p.Lys690Gln change remains unknown at this time.

Sema4
Classification: Uncertain significance for Hereditary cancer-predisposing syndrome. Last evaluated: 2021-09-29. Review status: criteria provided, single submitter. Criteria: Sema4 Curation Guidelines. Collection method: curation. Allele origin: germline.
Comment: The PMS2 c.2068A>C (p.K690Q) variant has been reported in heterozygosity in several individuals with endometrial or breast cancer (PMID: 25186627, 2744351, 33120919). This variant was observed in 8/108676 chromosomes in the Non-Finnish European subpopulation according to the Genome Aggregation Database (PMID: 32461654). The variant has been reported in ClinVar (Variation ID: 141651). Functional studies have not been performed, and in silico predictions of the variant's effect on protein function are inconclusive. The evidence is insufficient to meet ACMG/AMP criteria for classifying the variant as benign or pathogenic. Thus, the clinical significance of this variant is currently uncertain.

Quest Diagnostics Nichols Institute San Juan Capistrano
Classification: Uncertain significance. Last evaluated: 2020-06-25. Review status: criteria provided, single submitter. Criteria: Quest Diagnostics criteria. Collection method: clinical testing. Allele origin: unknown.

CHEO Genetics Diagnostic Laboratory, Children's Hospital of Eastern Ontario
Classification: Uncertain significance for Breast and/or ovarian cancer. Last evaluated: 2020-05-21. Review status: criteria provided, single submitter. Criteria: ACMG Guidelines, 2015. Collection method: clinical testing. Allele origin: germline.

Department of Pathology and Laboratory Medicine, Sinai Health System
Classification: Uncertain significance for Lynch syndrome. Last evaluated: 2019-10-17. Review status: criteria provided, single submitter. Criteria: ACMG Guidelines, 2015. Collection method: clinical testing. Allele origin: germline. Affected: yes.

Literature cited by the submitters: PubMed 25186627 (cited by 4 submitters); PubMed 27443514 (cited by 4 submitters); PubMed 31422574 (cited by Women's Health and Genetics/Laboratory Corporation of America, LabCorp); PubMed 33120919 (cited by Women's Health and Genetics/Laboratory Corporation of America, LabCorp and Sema4); PubMed 35402282 (cited by Women's Health and Genetics/Laboratory Corporation of America, LabCorp); PubMed 35089076 (cited by Women's Health and Genetics/Laboratory Corporation of America, LabCorp); PubMed 2744351 (cited by Sema4).

NM_000535.7(PMS2):c.2068A>C (p.Lys690Gln)

Gene: PMS2 (PMS1 homolog 2, mismatch repair system component; minus strand). Cytogenetic location: 7p22.1.
Variant type: single nucleotide variant.
Coding change: c.2068A>C on transcript NM_000535.7 (MANE Select); coding-DNA position 2068, A replaced by C.
Protein change: p.Lys690Gln; replaces lysine 690 with glutamine.
Molecular consequence: missense variant. On other transcripts: non-coding transcript variant (1).
Genome position (GRCh38, 1-based): chr7:5,982,930, T>G on the plus strand (A>C on the coding strand, the complement: PMS2 is on the minus strand). VCF-style: chr7-5982930-T-G. GRCh37 (hg19) VCF-style: chr7-6022561-T-G.
Other names: c.1663A>C, p.Lys555Gln (NM_001322003.2, NM_001322004.2, NM_001322005.2 and 1 more transcripts); c.1912A>C, p.Lys638Gln (NM_001322006.2); c.1750A>C, p.Lys584Gln (NM_001322007.2, NM_001322008.2); c.1507A>C, p.Lys503Gln (NM_001322010.2); c.1135A>C, p.Lys379Gln (NM_001322011.2, NM_001322012.2); c.1495A>C, p.Lys499Gln (NM_001322013.2); c.2068A>C, p.Lys690Gln (NM_001322014.2); c.1759A>C, p.Lys587Gln (NM_001322015.2); short protein forms K690Q, K379Q, K587Q, K555Q, K584Q, K499Q, K503Q, K638Q.
Identifiers: ClinVar variation 141651 (VCV000141651.39), dbSNP rs587781909, ClinGen allele CA010772.